The following is an entry in ClinVar:

ClinVar aggregate classification (germline): Uncertain significance (1 of 4 stars; one submission).

Allele frequency attached by ClinVar (database versions not stated): gnomAD exomes below 0.00001; ExAC 0.00001; gnomAD 0.00001; TOPMed 0.00002.
gnomAD v4.1: 6 of 1,613,818 alleles (0.00037%); highest among the groups gnomAD compares: African/African-American, 0.004%; no homozygotes.

Submission:

Labcorp Genetics (formerly Invitae), Labcorp
Classification: Uncertain significance. Last evaluated: 2021-12-20. Review status: criteria provided, single submitter. Criteria: Invitae Variant Classification Sherloc (09022015). Collection method: clinical testing. Allele origin: germline.
Comment: In summary, the available evidence is currently insufficient to determine the role of this variant in disease. Therefore, it has been classified as a Variant of Uncertain Significance. Algorithms developed to predict the effect of missense changes on protein structure and function are either unavailable or do not agree on the potential impact of this missense change (SIFT: "Deleterious"; PolyPhen-2: "Benign"; Align-GVGD: "Class C0"). This variant has not been reported in the literature in individuals affected with EFEMP1-related conditions. This variant is present in population databases (rs772639652, gnomAD 0.007%). This sequence change replaces isoleucine, which is neutral and non-polar, with threonine, which is neutral and polar, at codon 473 of the EFEMP1 protein (p.Ile473Thr).

NM_001039348.3(EFEMP1):c.1418T>C (p.Ile473Thr)

Gene: EFEMP1 (EGF-like fibulin extracellular matrix protein 1; minus strand). Cytogenetic location: 2p16.1.
Variant type: single nucleotide variant.
Coding change: c.1418T>C on transcript NM_001039348.3 (MANE Select); coding-DNA position 1418, T replaced by C.
Protein change: p.Ile473Thr; replaces isoleucine 473 with threonine.
Molecular consequence: missense variant.
Genome position (GRCh38, 1-based): chr2:55,867,137, A>G on the plus strand (T>C on the coding strand, the complement: EFEMP1 is on the minus strand). VCF-style: chr2-55867137-A-G. GRCh37 (hg19) VCF-style: chr2-56094272-A-G.
Other names: c.1418T>C, p.Ile473Thr (NM_001039349.3); short protein forms I473T.
Identifiers: ClinVar variation 1977369 (VCV001977369.5), dbSNP rs772639652, ClinGen allele CA1668684.